The following is an entry in ClinVar:

ClinVar aggregate classification (germline): Uncertain significance (1 of 4 stars; one submission).

Submission:

GeneDx
Classification: Uncertain significance. Last evaluated: 2024-05-22. Review status: criteria provided, single submitter. Criteria: GeneDx Variant Classification Process June 2021. Collection method: clinical testing. Allele origin: germline. Affected: yes.
Comment: Not observed at significant frequency in large population cohorts (gnomAD); Missense variant in a gene in which most reported pathogenic variants are truncating/loss of function; Has not been previously published as pathogenic or benign to our knowledge

NM_001267550.2(TTN):c.56855G>A (p.Gly18952Asp)

Genes: TTN (titin; minus strand), TTN-AS1 (TTN antisense RNA 1; plus strand). Cytogenetic location: 2q31.2.
Variant type: single nucleotide variant.
Coding change: c.56855G>A on transcript NM_001267550.2 (MANE Select); coding-DNA position 56855, G replaced by A.
Protein change: p.Gly18952Asp; replaces glycine 18952 with aspartic acid.
Molecular consequence: missense variant.
Genome position (GRCh38, 1-based): chr2:178,598,855, C>T on the plus strand (G>A on the coding strand, the complement: TTN is on the minus strand). VCF-style: chr2-178598855-C-T. GRCh37 (hg19) VCF-style: chr2-179463582-C-T.
Other names: c.51932G>A, p.Gly17311Asp (NM_001256850.1); c.29660G>A, p.Gly9887Asp (NM_003319.4); c.49151G>A, p.Gly16384Asp (NM_133378.4); c.30035G>A, p.Gly10012Asp (NM_133432.3); c.30236G>A, p.Gly10079Asp (NM_133437.4); short protein forms G10012D, G10079D, G16384D, G17311D, G18952D, G9887D.
Identifiers: ClinVar variation 3381277 (VCV003381277.1).